The following is an entry in ClinVar:

ClinVar aggregate classification (germline): Pathogenic. Review status: criteria provided, multiple submitters, no conflicts (2 of 4 stars). 2 submissions from 2 submitters: Pathogenic (2). Last evaluated 2022-06-26.

Conditions:
Thrombocytopenia 1. Also called: THROMBOCYTOPENIA, X-LINKED, 1; X-Linked Thrombocytopenia (XLT); X-linked thrombocytopenia with normal platelets. Identifiers: Orphanet 268322, Orphanet 852, MedGen C1839163, MONDO:0010743, OMIM 313900.
Wiskott-Aldrich syndrome (WAS). Also called: ALDRICH SYNDROME; IMMUNODEFICIENCY 2; Wiskott-aldrich syndrome, somatic; WISKOTT-ALDRICH SYNDROME 1. Identifiers: Orphanet 906, MedGen C0043194, MONDO:0010518, OMIM 301000.
X-linked severe congenital neutropenia (SCNX). Identifiers: Orphanet 86788, MedGen C1845987, MONDO:0010294, OMIM 300299.
WAS-related disorder. Also called: WAS-related condition; WAS-Related Disorders. Identifiers: MedGen CN381538.

Submissions (2):

Labcorp Genetics (formerly Invitae), Labcorp
Classification: Pathogenic for Wiskott-Aldrich syndrome; X-linked severe congenital neutropenia; Thrombocytopenia 1. Last evaluated: 2022-06-26. Review status: criteria provided, single submitter. Criteria: Invitae Variant Classification Sherloc (09022015). Collection method: clinical testing. Allele origin: germline.
Comment: For these reasons, this variant has been classified as Pathogenic. This premature translational stop signal has been observed in individual(s) with X-linked thrombocytopenia (PMID: 29896746). This variant is not present in population databases (gnomAD no frequency). This sequence change creates a premature translational stop signal (p.Asn408Metfs*37) in the WAS gene. It is expected to result in an absent or disrupted protein product. Loss-of-function variants in WAS are known to be pathogenic (PMID: 15284122).

Blueprint Genetics
Classification: Pathogenic for WAS-related disorders. Last evaluated: 2019-12-27. Review status: criteria provided, single submitter. Criteria: ACMG Guidelines, 2015. Collection method: clinical testing. Allele origin: germline. Affected: yes. Observed: 3 variant alleles.

Literature cited by the submitters: PubMed 29896746 (cited by Labcorp Genetics (formerly Invitae), Labcorp); PubMed 15284122 (cited by Labcorp Genetics (formerly Invitae), Labcorp).

NM_000377.3(WAS):c.1221del (p.Asn408fs)

Gene: WAS (WASP actin nucleation promoting factor; plus strand). Cytogenetic location: Xp11.23.
Variant type: Deletion.
Coding change: c.1221del on transcript NM_000377.3 (MANE Select); coding-DNA position 1221, one base deleted (G; older notation c.1221delG).
Protein change: p.Asn408fs; shifts the reading frame from asparagine 408.
Molecular consequence: frameshift variant.
Genome position (GRCh38, 1-based): chrX:48,688,949, G deleted; the last of 3 consecutive G bases (chrX:48,688,947-48,688,949); deleting any one gives the same sequence. VCF-style (leftmost placement, unchanged base first): chrX-48688946-CG-C. GRCh37 (hg19) VCF-style: chrX-48547335-CG-C.
Other names: short protein forms N408fs.
Identifiers: ClinVar variation 2152345 (VCV002152345.5), dbSNP rs2519287897, ClinGen allele CA2580101065.
Genomic context (GRCh38, chrX:48,688,946, plus strand): 5'-TGGAGCTGGTGGGCCACCCATGCCACCACCACCGCCACCACCGCCACCGCCGCCCAGCTC[CG>C]GGAATGGACCAGCCCCTCCCCCACTCCCTCCTGCTCTGGTGCCTGCCGGGGGCCTGGCCC-3'